The following is an entry in ClinVar:

ClinVar aggregate classification (germline): Uncertain significance. Review status: criteria provided, multiple submitters, no conflicts (2 of 4 stars). 6 submissions from 6 submitters: Uncertain significance (6). Last evaluated 2026-02-23.

Conditions:
Polycystic kidney disease, adult type (PKD1). Also called: Polycystic Kidney Disease 1, Autosomal Dominant; Polycystic kidney disease 1; Polycystic kidney disease 1, severe; Polycystic Kidney, Autosomal Dominant; POLYCYSTIC KIDNEY DISEASE 1 WITH OR WITHOUT POLYCYSTIC LIVER DISEASE; POLYCYSTIC KIDNEY DISEASE, ADULT, TYPE I. Identifiers: MedGen C3149841, MONDO:0008263, OMIM 173900.
PKD1-related disorder. Also called: PKD1-related condition.

Allele frequency attached by ClinVar (database versions not stated): gnomAD 0.00001; gnomAD exomes 0.00001; TOPMed 0.00002.
gnomAD v4.1: 22 of 1,568,152 alleles (0.0014%); highest among the groups gnomAD compares: Non-Finnish European, 0.0018%; no homozygotes.

Submissions (6):

Women's Health and Genetics/Laboratory Corporation of America, LabCorp
Classification: Uncertain significance. Last evaluated: 2026-02-23. Review status: criteria provided, single submitter. Criteria: LabCorp Variant Classification Summary - May 2015. Collection method: clinical testing. Allele origin: germline.
Comment: Variant summary: PKD1 c.6356A>G (p.Asp2119Gly) results in a non-conservative amino acid change in the encoded protein sequence. Algorithms developed to predict the effect of missense changes on protein structure and function are either unavailable or do not agree on the potential impact of this missense change. The variant allele was found at a frequency of 1.2e-05 in 172990 control chromosomes (gnomAD). The available data on variant occurrences in the general population are insufficient to allow any conclusion about variant significance. c.6356A>G has been observed in one individual affected with Autosomal-dominant polycystic kidney disease (Lindemann_2023). The report does not provide unequivocal conclusions about association of the variant with PKD1-related conditions. To our knowledge, no experimental evidence demonstrating an impact on protein function has been reported. The following publication has been ascertained in the context of this evaluation (PMID: 36938073). ClinVar contains an entry for this variant (Variation ID: 1199201). Based on the evidence outlined above, the variant was classified as uncertain significance.

PreventionGenetics, part of Exact Sciences
Classification: Uncertain significance for PKD1-related condition. Last evaluated: 2026-01-30. Review status: criteria provided, single submitter. Criteria: ACMG Guidelines, 2015. Collection method: clinical testing. Allele origin: germline.
Comment: The PKD1 c.6356A>G variant is predicted to result in the amino acid substitution p.Asp2119Gly. This variant was reported in an individual with polycystic kidney disease (Table S1, Lindemann et al. 2023. PubMed ID: 36938073). This variant is reported in 0.0029% of alleles in individuals of European (Non-Finnish) descent in gnomAD. At this time, the clinical significance of this variant is uncertain due to the absence of conclusive functional and genetic evidence.

Victorian Clinical Genetics Services, Murdoch Childrens Research Institute
Classification: Uncertain significance for Polycystic kidney disease, adult type. Last evaluated: 2024-10-09. Review status: criteria provided, single submitter. Criteria: ACMG Guidelines, 2015. Collection method: clinical testing. Allele origin: germline. Inheritance: Autosomal dominant inheritance. Affected: yes.
Comment: Based on the classification scheme VCGS_Germline_v1.3.4, this variant is classified as VUS-3B. Following criteria are met: 0102 - Loss of function is a known mechanism of disease in this gene and is associated with polycystic kidney disease 1 (MIM#173900) (ADPKD). (I) 0107 - This gene is associated with autosomal dominant disease. Polycystic kidney disease 1 (MIM#173900) is predominantly caused by monoallelic variants, with rare reports of biallelic variants causing disease (OMIM). (I) 0200 - Variant is predicted to result in a missense amino acid change from aspartic acid to glycine. (I) 0251 - This variant is heterozygous. (I) 0302 - Variant is present in gnomAD (v3) <0.001 for a dominant condition (2 heterozygotes, 0 homozygotes). (SP) 0309 - An alternative amino acid change at the same position has been observed in gnomAD (v2) (1 heterozygote, 0 homozygotes). (I) 0502 - Missense variant with conflicting in silico predictions and high conservation. (I) 0600 - Variant is located in the annotated PKD domain (DECIPHER). (I) 0705 - No comparable missense variants have previous evidence for pathogenicity. (I) 0809 - Previous evidence of pathogenicity for this variant is inconclusive. This variant has been classified as a VUS by a clinical laboratory in ClinVar. (I) 0905 - No published segregation evidence has been identified for this variant. (I) 1007 - No published functional evidence has been identified for this variant. (I) 1208 - Inheritance information for this variant is not currently available in this individual. (I) Legend: (SP) - Supporting pathogenic, (I) - Information, (SB) - Supporting benign

Fulgent Genetics
Classification: Uncertain significance for Polycystic kidney disease, adult type. Last evaluated: 2024-01-24. Review status: criteria provided, single submitter. Criteria: ACMG Guidelines, 2015. Collection method: clinical testing. Allele origin: germline.

Blueprint Genetics
Classification: Uncertain significance. Last evaluated: 2023-08-17. Review status: criteria provided, single submitter. Criteria: ACMG Guidelines, 2015. Collection method: clinical testing. Allele origin: germline.

Illumina Laboratory Services, Illumina
Classification: Uncertain significance for Polycystic kidney disease, adult type. Last evaluated: 2020-12-01. Review status: criteria provided, single submitter. Criteria: ICSLVariantClassificationCriteria RUGD 01 April 2020. Collection method: clinical testing. Allele origin: unknown.
Comment: The PKD1 c.6356A>G (p.Asp2119Gly) variant is a missense variant. A literature search was performed for the gene, cDNA change, and amino acid change. No publications were found based on this search. Control data are unavailable for this variant, which is reported at a frequency of 0.000029 in the European (non-Finnish) population of the Genome Aggregation Database. This variant is found in a gene for which primarily truncating variants are known to be disease-causing. Based on the limited evidence, the p.Asp2119Gly variant is classified as a variant of uncertain significance for polycystic kidney disease.

Literature cited by the submitters: PubMed 36938073 (cited by Women's Health and Genetics/Laboratory Corporation of America, LabCorp).

NM_001009944.3(PKD1):c.6356A>G (p.Asp2119Gly)

Gene: PKD1 (polycystin 1, transient receptor potential channel interacting; minus strand). Cytogenetic location: 16p13.3.
Variant type: single nucleotide variant.
Coding change: c.6356A>G on transcript NM_001009944.3 (MANE Select); coding-DNA position 6356, A replaced by G.
Protein change: p.Asp2119Gly; replaces aspartic acid 2119 with glycine.
Molecular consequence: missense variant.
Genome position (GRCh38, 1-based): chr16:2,108,811, T>C on the plus strand (A>G on the coding strand, the complement: PKD1 is on the minus strand). VCF-style: chr16-2108811-T-C. GRCh37 (hg19) VCF-style: chr16-2158812-T-C.
Other names: c.6356A>G (NM_001009944.2); c.6356A>G, p.Asp2119Gly (NM_000296.4); short protein forms D2119G.
Identifiers: ClinVar variation 1199201 (VCV001199201.9), dbSNP rs755560531, ClinGen allele CA7831628.